The following is an entry in ClinVar:

NM_021830.5(TWNK):c.1306G>A (p.Gly436Arg)

Gene: TWNK (twinkle mtDNA helicase; plus strand). Cytogenetic location: 10q24.31.
Variant type: single nucleotide variant.
Coding change: c.1306G>A on transcript NM_021830.5 (MANE Select); coding-DNA position 1306, G replaced by A.
Protein change: p.Gly436Arg; replaces glycine 436 with arginine.
Molecular consequence: missense variant. On other transcripts: 5 prime UTR variant (3), non-coding transcript variant (5).
Genome position (GRCh38, 1-based): chr10:100,989,706, G>A. VCF-style: chr10-100989706-G-A. GRCh37 (hg19) VCF-style: chr10-102749463-G-A.
Other names: c.1306G>A, p.Gly436Arg (NM_001163812.2); c.-57G>A (NM_001163813.2, NM_001163814.2, NM_001368275.1); short protein forms G436R.
Identifiers: ClinVar variation 3720959 (VCV003720959.2), dbSNP rs863223922.

ClinVar aggregate classification (germline): Uncertain significance (1 of 4 stars; one submission).

gnomAD v4.1: 2 of 1,614,026 alleles (0.00012%); highest among the groups gnomAD compares: East Asian, 0.0022%; no homozygotes.

Submission:

Labcorp Genetics (formerly Invitae), Labcorp
Classification: Uncertain significance. Last evaluated: 2024-06-19. Review status: criteria provided, single submitter. Criteria: Invitae Variant Classification Sherloc (09022015). Collection method: clinical testing. Allele origin: germline.
Comment: This sequence change replaces glycine, which is neutral and non-polar, with arginine, which is basic and polar, at codon 436 of the TWNK protein (p.Gly436Arg). This variant is not present in population databases (gnomAD no frequency). This missense change has been observed in individual(s) with clinical features of TWNK-related conditions (PMID: 24123792, 27165006, 32868181). Advanced modeling of protein sequence and biophysical properties (such as structural, functional, and spatial information, amino acid conservation, physicochemical variation, residue mobility, and thermodynamic stability) performed at Invitae indicates that this missense variant is expected to disrupt TWNK protein function with a positive predictive value of 95%. In summary, the available evidence is currently insufficient to determine the role of this variant in disease. Therefore, it has been classified as a Variant of Uncertain Significance.

Literature cited by the submitters: PubMed 24123792; PubMed 27165006; PubMed 32868181.